The following is an entry in ClinVar:

ClinVar aggregate classification (germline): Likely pathogenic. Review status: criteria provided, multiple submitters, no conflicts (2 of 4 stars). 5 submissions from 5 submitters: Likely pathogenic (3). 2 of the submissions do not count toward it. Last evaluated 2024-05-13.

Conditions:
Zellweger spectrum disorders (ZS). Also called: Zellweger Spectrum Disorder; Zellweger Spectrum; Zellweger Spectrum Disorder (ZSD); Zellweger syndrome. Identifiers: Orphanet 912, MedGen C0043459, MONDO:0019609.
Peroxisome biogenesis disorder. Identifiers: Orphanet 79189, MedGen C1832200, MONDO:0019234. Disease mechanism: loss of function.
Heimler syndrome 2 (HMLR2). Also called: PEROXISOME BIOGENESIS DISORDER 4C. Identifiers: Orphanet 3220, MedGen C4225267, OMIM 616617, MONDO:0014709.
Peroxisome biogenesis disorder 4A (Zellweger) (PBD4A). Also called: Zellweger syndrome spectrum (PEX6-related). Identifiers: Orphanet 912, MedGen C3553936, MONDO:0013930, OMIM 614862. Disease mechanism: loss of function.
Peroxisome biogenesis disorder 4B (PBD4B). Also called: SPINOCEREBELLAR ATAXIA WITH BLINDNESS AND DEAFNESS 1. Identifiers: Orphanet 44, Orphanet 95433, MedGen C3553937, MONDO:0013931, OMIM 614863.

Allele frequency attached by ClinVar (database versions not stated): gnomAD exomes below 0.00001; gnomAD 0.00001; TOPMed 0.00001.
gnomAD v4.1: 2 of 1,613,808 alleles (0.00012%); highest among the groups gnomAD compares: Non-Finnish European, 0.00017%; no homozygotes.

Submissions (5):

Fulgent Genetics
Classification: Likely pathogenic for Peroxisome biogenesis disorder 4A (Zellweger); Peroxisome biogenesis disorder 4B; Heimler syndrome 2. Last evaluated: 2024-05-13. Review status: criteria provided, single submitter. Criteria: ACMG Guidelines, 2015. Collection method: clinical testing. Allele origin: germline.

Baylor Genetics
Classification: Likely pathogenic for Heimler syndrome 2. Last evaluated: 2024-01-24. Review status: criteria provided, single submitter. Criteria: ACMG Guidelines, 2015. Collection method: clinical testing. Allele origin: unknown.

Labcorp Genetics (formerly Invitae), Labcorp
Classification: Likely pathogenic for Peroxisome biogenesis disorder. Last evaluated: 2023-05-22. Review status: criteria provided, single submitter. Criteria: Invitae Variant Classification Sherloc (09022015). Collection method: clinical testing. Allele origin: germline.
Comment: Algorithms developed to predict the effect of sequence changes on RNA splicing suggest that this variant may disrupt the consensus splice site. In summary, the currently available evidence indicates that the variant is pathogenic, but additional data are needed to prove that conclusively. Therefore, this variant has been classified as Likely Pathogenic. ClinVar contains an entry for this variant (Variation ID: 551145). This variant has not been reported in the literature in individuals affected with PEX6-related conditions. This variant is present in population databases (no rsID available, gnomAD 0.0009%). This sequence change affects a donor splice site in intron 12 of the PEX6 gene. It is expected to disrupt RNA splicing. Variants that disrupt the donor or acceptor splice site typically lead to a loss of protein function (PMID: 16199547), and loss-of-function variants in PEX6 are known to be pathogenic (PMID: 8670792, 19877282, 21031596).

Natera, Inc.
Classification: Likely pathogenic for Zellweger syndrome. Last evaluated: 2020-09-16. Review status: no assertion criteria provided. Collection method: clinical testing. Allele origin: germline. Not counted in ClinVar's aggregate classification.

Counsyl
Classification: Likely pathogenic for Peroxisome biogenesis disorder 4A (Zellweger); Peroxisome biogenesis disorder 4B. Last evaluated: 2017-03-17. Review status: no assertion criteria provided. Collection method: clinical testing. Allele origin: unknown. Not counted in ClinVar's aggregate classification.

Literature cited by the submitters: PubMed 16199547 (cited by Labcorp Genetics (formerly Invitae), Labcorp); PubMed 8670792 (cited by Labcorp Genetics (formerly Invitae), Labcorp); PubMed 19877282 (cited by Labcorp Genetics (formerly Invitae), Labcorp); PubMed 21031596 (cited by Labcorp Genetics (formerly Invitae), Labcorp).

NM_000287.4(PEX6):c.2362+1G>A

Gene: PEX6 (peroxisomal biogenesis factor 6; minus strand). Cytogenetic location: 6p21.1.
Variant type: single nucleotide variant.
Coding change: c.2362+1G>A on transcript NM_000287.4 (MANE Select); the canonical splice donor site of the intron after coding-DNA position 2362, G replaced by A.
Molecular consequence: splice donor variant.
Genome position (GRCh38, 1-based): chr6:42,966,043, C>T on the plus strand (G>A on the coding strand, the complement: PEX6 is on the minus strand). VCF-style: chr6-42966043-C-T. GRCh37 (hg19) VCF-style: chr6-42933781-C-T.
Other names: c.2098+1G>A (NM_001316313.2).
Identifiers: ClinVar variation 551145 (VCV000551145.14), dbSNP rs1443107232, ClinGen allele CA364151791.
Genomic context (GRCh38, chr6:42,966,043, plus strand): 5'-GGCTTGGGGGCCATCGGGGTTTGGGAAGCATGGGACGCCCTGCCCCTCCCTGCTCACTCA[C>T]CTTCCCGCACATTCTCCTCACTTTGGCCCACATACATGTTAATGAGCTCTGGCCCCTTCA-3'